The following is an entry in ClinVar:

ClinVar aggregate classification (germline): Uncertain significance (1 of 4 stars; one submission).

Allele frequency attached by ClinVar (database versions not stated): gnomAD exomes below 0.00001; TOPMed below 0.00001; ExAC 0.00001; gnomAD 0.00001.
gnomAD v4.1: 6 of 1,612,572 alleles (0.00037%); highest among the groups gnomAD compares: Non-Finnish European, 0.00042%; no homozygotes.

Submission:

Labcorp Genetics (formerly Invitae), Labcorp
Classification: Uncertain significance. Last evaluated: 2024-12-17. Review status: criteria provided, single submitter. Criteria: Invitae Variant Classification Sherloc (09022015). Collection method: clinical testing. Allele origin: germline.
Comment: This sequence change replaces proline, which is neutral and non-polar, with leucine, which is neutral and non-polar, at codon 470 of the CLCN7 protein (p.Pro470Leu). This variant is present in population databases (rs761401489, gnomAD 0.002%). This missense change has been observed in individual(s) with autosomal recessive osteopetrosis (PMID: 21962762, 30942407). In at least one individual the data is consistent with being in trans (on the opposite chromosome) from a pathogenic variant. ClinVar contains an entry for this variant (Variation ID: 2137754). An algorithm developed to predict the effect of missense changes on protein structure and function (PolyPhen-2) suggests that this variant is likely to be disruptive. This variant disrupts the p.Pro470 amino acid residue in CLCN7. Other variant(s) that disrupt this residue have been observed in individuals with CLCN7-related conditions (PMID: 12522560), which suggests that this may be a clinically significant amino acid residue. In summary, the available evidence is currently insufficient to determine the role of this variant in disease. Therefore, it has been classified as a Variant of Uncertain Significance.

Literature cited by the submitters: PubMed 21962762; PubMed 30942407; PubMed 12522560.

NM_001287.6(CLCN7):c.1409C>T (p.Pro470Leu)

Gene: CLCN7 (chloride voltage-gated channel 7; minus strand). Cytogenetic location: 16p13.3.
Variant type: single nucleotide variant.
Coding change: c.1409C>T on transcript NM_001287.6 (MANE Select); coding-DNA position 1409, C replaced by T.
Protein change: p.Pro470Leu; replaces proline 470 with leucine.
Molecular consequence: missense variant.
Genome position (GRCh38, 1-based): chr16:1,451,661, G>A on the plus strand (C>T on the coding strand, the complement: CLCN7 is on the minus strand). VCF-style: chr16-1451661-G-A. GRCh37 (hg19) VCF-style: chr16-1501662-G-A.
Other names: c.1337C>T, p.Pro446Leu (NM_001114331.3); short protein forms P446L, P470L.
Identifiers: ClinVar variation 2137754 (VCV002137754.4), dbSNP rs761401489, ClinGen allele CA7810271.
Genomic context (GRCh38, chr16:1,451,661, plus strand): 5'-CAGCGGCACTGCCCACACACACCTGGCGGGTCGTGGAAGAGGCTCACCACGCTCTTCTCC[G>A]GGGTGTTGAAGAAGGCCGCAGCCATGGAGTTGTACTCGCCATCTGCACAAAAGAGCTGTG-3'
Protein context (NP_001278.1, residues 460-480): NSMAAAFFNT[Pro470Leu]EKSVVSLFHD